The following is an entry in ClinVar:

ClinVar aggregate classification (germline): Pathogenic (1 of 4 stars; one submission).

Submission:

Labcorp Genetics (formerly Invitae), Labcorp
Classification: Pathogenic. Last evaluated: 2023-11-06. Review status: criteria provided, single submitter. Criteria: Invitae Variant Classification Sherloc (09022015). Collection method: clinical testing. Allele origin: germline.
Comment: This sequence change replaces proline, which is neutral and non-polar, with leucine, which is neutral and non-polar, at codon 2097 of the ABCA4 protein (p.Pro2097Leu). This variant is not present in population databases (gnomAD no frequency). This missense change has been observed in individual(s) with stargardt Disease (PMID: 36284460). In at least one individual the data is consistent with being in trans (on the opposite chromosome) from a pathogenic variant. ClinVar contains an entry for this variant (Variation ID: 1393961). Advanced modeling of protein sequence and biophysical properties (such as structural, functional, and spatial information, amino acid conservation, physicochemical variation, residue mobility, and thermodynamic stability) performed at Invitae indicates that this missense variant is expected to disrupt ABCA4 protein function with a positive predictive value of 95%. This variant disrupts the p.Pro2097 amino acid residue in ABCA4. Other variant(s) that disrupt this residue have been determined to be pathogenic (PMID: 25474345, 26780318). This suggests that this residue is clinically significant, and that variants that disrupt this residue are likely to be disease-causing. For these reasons, this variant has been classified as Pathogenic.

Literature cited by the submitters: PubMed 36284460; PubMed 25474345; PubMed 26780318.

NM_000350.3(ABCA4):c.6290C>T (p.Pro2097Leu)

Gene: ABCA4 (ATP binding cassette subfamily A member 4; minus strand). Cytogenetic location: 1p22.1.
Variant type: single nucleotide variant.
Coding change: c.6290C>T on transcript NM_000350.3 (MANE Select); coding-DNA position 6290, C replaced by T.
Protein change: p.Pro2097Leu; replaces proline 2097 with leucine.
Molecular consequence: missense variant.
Genome position (GRCh38, 1-based): chr1:94,001,098, G>A on the plus strand (C>T on the coding strand, the complement: ABCA4 is on the minus strand). VCF-style: chr1-94001098-G-A. GRCh37 (hg19) VCF-style: chr1-94466654-G-A.
Other names: c.6068C>T, p.Pro2023Leu (NM_001425324.1); short protein forms P2097L, P2023L.
Identifiers: ClinVar variation 1393961 (VCV001393961.8), dbSNP rs747046963, ClinGen allele CA341277621.
Genomic context (GRCh38, chr1:94,001,098, plus strand): 5'-ATGATGCTCACGATGACGTTCCACAGCATGCGGCGTGCCTGGGGGTCCATCCCTGTGGTG[G>A]GCTCATCCTGGGGGGTGGAGAGAAGGTTGGGGGCACAGGCTGGGAGCTGGCCCTTCTGAT-3'
Protein context (NP_000341.2, residues 2087-2107): GCPPLVLLDE[Pro2097Leu]TTGMDPQARR